The following is an entry in ClinVar:

ClinVar aggregate classification (germline): Likely pathogenic. Review status: criteria provided, single submitter (1 of 4 stars). 2 submissions from 2 submitters: Likely pathogenic (1). 1 of the submissions does not count toward it. Last evaluated 2025-03-17.

Conditions:
Nemaline myopathy. Also called: Myopathies, Nemaline. Identifiers: Orphanet 607, MedGen C0206157, MONDO:0018958.
Nemaline myopathy 2 (NEM2). Also called: Nemaline myopathy 2, autosomal recessive. Identifiers: MedGen C1850569, MONDO:0009725, OMIM 256030.

Allele frequency attached by ClinVar (database versions not stated): gnomAD exomes below 0.00001.

Submissions (2):

Broad Center for Mendelian Genomics, Broad Institute of MIT and Harvard
Classification: Likely pathogenic for Nemaline myopathy. Last evaluated: 2025-03-17. Review status: criteria provided, single submitter. Criteria: ACMG Guidelines, 2015. Collection method: curation. Allele origin: germline. Inheritance: Autosomal recessive inheritance.
Comment: The p.Asp3315ThrfsTer26 variant in NEB has not been previously reported in the literature in individuals with nemaline myopathy, but has been identified in 0.00008% (1/1179882) of European (non-Finnish) chromosomes by the Genome Aggregation Database (gnomAD; dbSNP ID: rs1553930053). Although this variant has been seen in the general population in a heterozygous state, its frequency is low enough to be consistent with a recessive carrier frequency. This variant has also been reported in ClinVar (Variation ID: 552057) and has been interpreted as pathogenic by Counsyl. This variant is predicted to cause a frameshift, which alters the protein‚Äôs amino acid sequence beginning at position 3315 and leads to a premature termination codon 26 amino acids downstream. This alteration is then predicted to lead to a truncated or absent protein. Loss of function of the NEB gene is an established disease mechanism in autosomal recessive nemaline myopathy. In summary, although additional studies are required to fully establish its clinical significance, this variant is likely pathogenic for autosomal recessive nemaline myopathy. ACMG/AMP Criteria applied: PVS1, PM2_supporting (Richards 2015).

Counsyl
Classification: Likely pathogenic for Nemaline myopathy 2. Last evaluated: 2017-05-19. Review status: no assertion criteria provided. Collection method: clinical testing. Allele origin: unknown. Not counted in ClinVar's aggregate classification.

NM_001164508.2(NEB):c.9943del (p.Asp3315fs)

Gene: NEB (nebulin; minus strand). Cytogenetic location: 2q23.3.
Variant type: Deletion.
Coding change: c.9943del on transcript NM_001164508.2 (MANE Select); coding-DNA position 9943, one base deleted (G; older notation c.9943delG).
Protein change: p.Asp3315fs; shifts the reading frame from aspartic acid 3315.
Molecular consequence: frameshift variant.
Genome position (GRCh38, 1-based): chr2:151,627,723, C deleted on the plus strand (G on the coding strand, the reverse complement: NEB is on the minus strand). VCF-style (leftmost placement, unchanged base first): chr2-151627722-TC-T. GRCh37 (hg19) VCF-style: chr2-152484236-TC-T.
Other names: NM_001164508.2(NEB):c.9943del; p.Asp3315fs; c.9943del, p.Asp3315fs (NM_001164507.2, NM_001271208.2); c.9214del, p.Asp3072fs (NM_004543.5); short protein forms D3072fs, D3315fs.
Identifiers: ClinVar variation 552057 (VCV000552057.3), dbSNP rs1553930053, ClinGen allele CA658821404.
Genomic context (GRCh38, chr2:151,627,722, plus strand): 5'-ATGTCCACTGGGCTGCTGAACTTGGTCTTCCACTTCTCAAAGTCCTTCTTATACTCCCTG[TC>T]ACTCTGGATCTTGGCCACATGCATGGACCACATCATCTTGGGGTCATCTTCAATGTTCCG-3'